The following is an entry in ClinVar:

ClinVar aggregate classification (germline): Uncertain significance. Review status: criteria provided, multiple submitters, no conflicts (2 of 4 stars). 3 submissions from 3 submitters: Uncertain significance (3). Last evaluated 2026-03-29.

Conditions:
PCDH15-related disorder. Also called: PCDH15-related disorders; PCDH15-related condition.

gnomAD v4.1: 17 of 1,571,614 alleles (0.0011%); highest among the groups gnomAD compares: Admixed American, 0.0019%; no homozygotes.

Submissions (3):

PreventionGenetics, part of Exact Sciences
Classification: Uncertain significance for PCDH15-related condition. Last evaluated: 2026-03-29. Review status: criteria provided, single submitter. Criteria: ACMG Guidelines, 2015. Collection method: clinical testing. Allele origin: germline.
Comment: The PCDH15 c.5351C>A variant is predicted to result in the amino acid substitution p.Pro1784His. To our knowledge, this variant has not been reported in the literature. This variant is reported in 0.0037% of alleles in individuals of Latino descent in gnomAD. At this time, the clinical significance of this variant is uncertain due to the absence of conclusive functional and genetic evidence.

GeneDx
Classification: Uncertain significance. Last evaluated: 2023-06-12. Review status: criteria provided, single submitter. Criteria: GeneDx Variant Classification Process June 2021. Collection method: clinical testing. Allele origin: germline. Affected: yes.
Comment: Not observed at significant frequency in large population cohorts (gnomAD); In silico analysis supports that this missense variant does not alter protein structure/function; Has not been previously published as pathogenic or benign to our knowledge

Labcorp Genetics (formerly Invitae), Labcorp
Classification: Uncertain significance. Last evaluated: 2021-08-24. Review status: criteria provided, single submitter. Criteria: Invitae Variant Classification Sherloc (09022015). Collection method: clinical testing. Allele origin: germline.
Comment: This sequence change replaces proline with histidine at codon 1784 of the PCDH15 protein (p.Pro1784His). The proline residue is weakly conserved and there is a moderate physicochemical difference between proline and histidine. This variant is not present in population databases (ExAC no frequency). This variant has not been reported in the literature in individuals affected with PCDH15-related conditions. In summary, the available evidence is currently insufficient to determine the role of this variant in disease. Therefore, it has been classified as a Variant of Uncertain Significance.

NM_033056.4(PCDH15):c.5351C>A (p.Pro1784His)

Gene: PCDH15 (protocadherin related 15; minus strand). Cytogenetic location: 10q21.1.
Variant type: single nucleotide variant.
Coding change: c.5351C>A on transcript NM_033056.4 (MANE Plus Clinical); coding-DNA position 5351, C replaced by A.
Protein change: p.Pro1784His; replaces proline 1784 with histidine.
Molecular consequence: missense variant. On other transcripts: intron variant (8).
Genome position (GRCh38, 1-based): chr10:53,822,375, G>T on the plus strand (C>A on the coding strand, the complement: PCDH15 is on the minus strand). VCF-style: chr10-53822375-G-T. GRCh37 (hg19) VCF-style: chr10-55582135-G-T.
Other names: c.5372C>A, p.Pro1791His (NM_001142763.2); c.5357C>A, p.Pro1786His (NM_001142764.2); c.5144C>A, p.Pro1715His (NM_001142765.2); c.5342C>A, p.Pro1781His (NM_001142766.2); c.5231C>A, p.Pro1744His (NM_001142767.2); c.5291C>A, p.Pro1764His (NM_001142768.2); c.5282C>A, p.Pro1761His (NM_001142773.2); c.5285C>A, p.Pro1762His (NM_001354404.2); and 7 more; short protein forms P1786H, P1715H, P1744H, P1761H, P1764H, P1781H, P1791H, P1762H.
Identifiers: ClinVar variation 2160479 (VCV002160479.3), dbSNP rs750100016, ClinGen allele CA207219082.
Genomic context (GRCh38, chr10:53,822,375, plus strand): 5'-CCAGACGTTGAAACGGAAAGTGGAAAAAATGTAGGAGGAGGAAGAGGAAGAGGGATAGAA[G>T]GAGGAGAGGGAGGAGGACAAAAAAGAGAAAAAGGAGAAATGTCAGGAGGAGGAGCAAGAG-3'
Protein context (NP_149045.3, residues 1774-1794): FSLFCPPPSP[Pro1784His]SIPLPLPPPT